The following is an entry in ClinVar:

ClinVar aggregate classification (germline): Uncertain significance. Review status: criteria provided, multiple submitters, no conflicts (2 of 4 stars). 2 submissions from 2 submitters: Uncertain significance (2). Last evaluated 2022-09-07.

Conditions:
Epidermolysis bullosa simplex 3, localized or generalized intermediate, with BP230 deficiency (EBS3). Also called: Epidermolysis bullosa simplex due to BP230 deficiency; Epidermolysis bullosa simplex, autosomal recessive 2. Identifiers: Orphanet 412181, MedGen C3809470, MONDO:0014180, OMIM 615425.
Hereditary sensory and autonomic neuropathy type 6. Also called: HSAN VI; Neuropathy, hereditary sensory and autonomic, type VI. Identifiers: Orphanet 314381, MedGen C3539003, MONDO:0013839, OMIM 614653.
Inborn genetic diseases. Identifiers: MedGen C0950123, MeSH D030342.

Allele frequency attached by ClinVar (database versions not stated): gnomAD exomes below 0.00001 and 0.00001; TOPMed below 0.00001; gnomAD 0.00001; ExAC 0.00002; 1000 Genomes Project 30x 0.00016; 1000 Genomes Project 0.00020.
gnomAD v4.1: 4 of 1,614,170 alleles (0.00025%); highest among the groups gnomAD compares: African/African-American, 0.0053%; no homozygotes.

Submissions (2):

Labcorp Genetics (formerly Invitae), Labcorp
Classification: Uncertain significance for Epidermolysis bullosa simplex 3, localized or generalized intermediate, with BP230 deficiency; Hereditary sensory and autonomic neuropathy type 6. Last evaluated: 2022-09-07. Review status: criteria provided, single submitter. Criteria: Invitae Variant Classification Sherloc (09022015). Collection method: clinical testing. Allele origin: germline.
Comment: This sequence change replaces proline, which is neutral and non-polar, with serine, which is neutral and polar, at codon 231 of the DST protein (p.Pro231Ser). This variant is present in population databases (rs200526721, gnomAD 0.007%). This variant has not been reported in the literature in individuals affected with DST-related conditions. ClinVar contains an entry for this variant (Variation ID: 1055191). Algorithms developed to predict the effect of missense changes on protein structure and function (SIFT, PolyPhen-2, Align-GVGD) all suggest that this variant is likely to be disruptive. In summary, the available evidence is currently insufficient to determine the role of this variant in disease. Therefore, it has been classified as a Variant of Uncertain Significance.

Ambry Genetics
Classification: Uncertain significance for Inborn genetic diseases. Last evaluated: 2022-04-28. Review status: criteria provided, single submitter. Criteria: Ambry Variant Classification Scheme 2023. Collection method: clinical testing. Allele origin: germline.
Comment: The p.P735S variant (also known as c.2203C>T), located in coding exon 17 of the DST gene, results from a C to T substitution at nucleotide position 2203. The proline at codon 735 is replaced by serine, an amino acid with similar properties. This amino acid position is well conserved in available vertebrate species; however, serine is the reference amino acid in other vertebrate species. In addition, the in silico prediction for this alteration is inconclusive. Since supporting evidence is limited at this time, the clinical significance of this alteration remains unclear.

NM_001374736.1(DST):c.2302C>T (p.Pro768Ser)

Gene: DST (dystonin; minus strand). Cytogenetic location: 6p12.1.
Variant type: single nucleotide variant.
Coding change: c.2302C>T on transcript NM_001374736.1 (MANE Select); coding-DNA position 2302, C replaced by T.
Protein change: p.Pro768Ser; replaces proline 768 with serine.
Molecular consequence: missense variant.
Genome position (GRCh38, 1-based): chr6:56,640,331, G>A on the plus strand (C>T on the coding strand, the complement: DST is on the minus strand). VCF-style: chr6-56640331-G-A. GRCh37 (hg19) VCF-style: chr6-56505129-G-A.
Other names: c.2203C>T, p.Pro735Ser (NM_001144769.5); c.1789C>T, p.Pro597Ser (NM_001144770.2); c.2302C>T, p.Pro768Ser (NM_001374722.1); c.1669C>T, p.Pro557Ser (NM_001374729.1, NM_001374730.1, NM_001386100.1 and 1 more transcripts); c.2329C>T, p.Pro777Ser (NM_001374734.1); c.691C>T, p.Pro231Ser (NM_001723.7, NM_015548.5); short protein forms P231S, P557S, P597S, P735S, P768S, P777S.
Identifiers: ClinVar variation 1055191 (VCV001055191.11), dbSNP rs200526721, ClinGen allele CA3871455.
Genomic context (GRCh38, chr6:56,640,331, plus strand): 5'-GCAATGAATTTGGCTCTACTCCTGAACTGAAATTTGGAACTAATCCTGATGGGAAACCAG[G>A]TGTATAAGCTGGAGTGACAGATGGAGTCAGGCGGGAAGTCATCCCTGATGACAGGCCAGA-3'
Protein context (NP_001361665.1, residues 758-778): LTPSVTPAYT[Pro768Ser]GFPSGLVPNF